The following is an entry in ClinVar:

NM_000092.5(COL4A4):c.816+2T>G

Gene: COL4A4 (collagen type IV alpha 4 chain; minus strand). Cytogenetic location: 2q36.3.
Variant type: single nucleotide variant.
Coding change: c.816+2T>G on transcript NM_000092.5 (MANE Select); the canonical splice donor site of the intron after coding-DNA position 816, T replaced by G.
Molecular consequence: splice donor variant.
Genome position (GRCh38, 1-based): chr2:227,103,970, A>C on the plus strand (T>G on the coding strand, the complement: COL4A4 is on the minus strand). VCF-style: chr2-227103970-A-C. GRCh37 (hg19) VCF-style: chr2-227968686-A-C.
Identifiers: ClinVar variation 2021519 (VCV002021519.4), dbSNP rs2475639659, ClinGen allele CA350857981.
Genomic context (GRCh38, chr2:227,103,970, plus strand): 5'-TCCATGTCAAAAAATATTTTCTACTGCTACTTTCCAAGGTGACATATGGATTTGGGAATT[A>C]CCTTTTCTCCTTTATAGAGACAAAAGTCAGGTGGCTCTACCAACAGGGTGGGTCCAGGAG-3'

ClinVar aggregate classification (germline): Likely pathogenic (1 of 4 stars; one submission).

Submission:

Labcorp Genetics (formerly Invitae), Labcorp
Classification: Likely pathogenic. Last evaluated: 2022-08-06. Review status: criteria provided, single submitter. Criteria: Invitae Variant Classification Sherloc (09022015). Collection method: clinical testing. Allele origin: germline.
Comment: This sequence change affects a donor splice site in intron 13 of the COL4A4 gene. It is expected to disrupt RNA splicing. Variants that disrupt the donor or acceptor splice site typically lead to a loss of protein function (PMID: 16199547), and loss-of-function variants in COL4A4 are known to be pathogenic (PMID: 21196518, 24854265, 25307543). This variant is not present in population databases (gnomAD no frequency). This variant has not been reported in the literature in individuals affected with COL4A4-related conditions. Algorithms developed to predict the effect of sequence changes on RNA splicing suggest that this variant may disrupt the consensus splice site. In summary, the currently available evidence indicates that the variant is pathogenic, but additional data are needed to prove that conclusively. Therefore, this variant has been classified as Likely Pathogenic.

Literature cited by the submitters: PubMed 16199547; PubMed 21196518; PubMed 24854265; PubMed 25307543.